The following is an entry in ClinVar:

NM_001611.5(ACP5):c.614A>G (p.His205Arg)

Gene: ACP5 (acid phosphatase 5, tartrate resistant; minus strand). Cytogenetic location: 19p13.2.
Variant type: single nucleotide variant.
Coding change: c.614A>G on transcript NM_001611.5 (MANE Select); coding-DNA position 614, A replaced by G.
Protein change: p.His205Arg; replaces histidine 205 with arginine.
Molecular consequence: missense variant.
Genome position (GRCh38, 1-based): chr19:11,576,364, T>C on the plus strand (A>G on the coding strand, the complement: ACP5 is on the minus strand). VCF-style: chr19-11576364-T-C. GRCh37 (hg19) VCF-style: chr19-11687179-T-C.
Other names: c.614A>G, p.His205Arg (NM_001111034.3, NM_001111035.3, NM_001111036.3 and 1 more transcripts); short protein forms H205R.
Identifiers: ClinVar variation 4072562 (VCV004072562.1).

ClinVar aggregate classification (germline): Uncertain significance (1 of 4 stars; one submission).

gnomAD v4.1: 1 of 1,610,026 alleles (0.000062%); highest among the groups gnomAD compares: Non-Finnish European, 0.000085%; no homozygotes.

Submission:

GeneDx
Classification: Uncertain significance. Last evaluated: 2025-01-31. Review status: criteria provided, single submitter. Criteria: GeneDx Variant Classification Process June 2021. Collection method: clinical testing. Allele origin: germline. Affected: yes.
Comment: Not observed at significant frequency in large population cohorts (gnomAD); In silico analysis supports that this missense variant has a deleterious effect on protein structure/function; Has not been previously published as pathogenic or benign to our knowledge